The following is an entry in ClinVar:

ClinVar aggregate classification (germline): Uncertain significance (1 of 4 stars; one submission).

gnomAD v4.1: 4 of 1,613,968 alleles (0.00025%); highest among the groups gnomAD compares: Non-Finnish European, 0.00025%; no homozygotes.

Submission:

Women's Health and Genetics/Laboratory Corporation of America, LabCorp
Classification: Uncertain significance. Last evaluated: 2025-10-03. Review status: criteria provided, single submitter. Criteria: LabCorp Variant Classification Summary - May 2015. Collection method: clinical testing. Allele origin: germline.
Comment: Variant summary: EP300 c.6311C>A (p.Pro2104His) results in a non-conservative amino acid change in the encoded protein sequence. Algorithms developed to predict the effect of missense changes on protein structure and function are either unavailable or do not agree on the potential impact of this missense change. The variant allele was found at a frequency of 8e-06 in 250906 control chromosomes. The available data on variant occurrences in the general population are insufficient to allow any conclusion about variant significance. To our knowledge, no occurrence of c.6311C>A in individuals affected with EP300-related conditions and no experimental evidence demonstrating its impact on protein function have been reported. No submitters have cited clinical-significance assessments for this variant to ClinVar. Based on the evidence outlined above, the variant was classified as uncertain significance.

NM_001429.4(EP300):c.6311C>A (p.Pro2104His)

Gene: EP300 (EP300 lysine acetyltransferase; plus strand). Cytogenetic location: 22q13.2.
Variant type: single nucleotide variant.
Coding change: c.6311C>A on transcript NM_001429.4 (MANE Select); coding-DNA position 6311, C replaced by A.
Protein change: p.Pro2104His; replaces proline 2104 with histidine.
Molecular consequence: missense variant.
Genome position (GRCh38, 1-based): chr22:41,178,022, C>A. VCF-style: chr22-41178022-C-A. GRCh37 (hg19) VCF-style: chr22-41574026-C-A.
Other names: c.6233C>A, p.Pro2078His (NM_001362843.2); short protein forms P2078H, P2104H.
Identifiers: ClinVar variation 4687583 (VCV004687583.1).